The following is an entry in ClinVar:

NM_000245.4(MET):c.4030T>C (p.Phe1344Leu)

Gene: MET (MET proto-oncogene, receptor tyrosine kinase; plus strand). Cytogenetic location: 7q31.2.
Variant type: single nucleotide variant.
Coding change: c.4030T>C on transcript NM_000245.4 (MANE Select); coding-DNA position 4030, T replaced by C.
Protein change: p.Phe1344Leu; replaces phenylalanine 1344 with leucine.
Molecular consequence: missense variant.
Genome position (GRCh38, 1-based): chr7:116,795,981, T>C. VCF-style: chr7-116795981-T-C. GRCh37 (hg19) VCF-style: chr7-116436035-T-C.
Other names: c.4084T>C, p.Phe1362Leu (NM_001127500.3); c.2740T>C, p.Phe914Leu (NM_001324402.2); short protein forms F1362L, F914L, F1344L.
Identifiers: ClinVar variation 4106735 (VCV004106735.1).
Genomic context (GRCh38, chr7:116,795,981, plus strand): 5'-GCCGAAATGCGCCCATCCTTTTCTGAACTGGTGTCCCGGATATCAGCGATCTTCTCTACT[T>C]TCATTGGGGAGCACTATGTCCATGTGAACGCTACTTATGTGAACGTAAAATGTGTCGCTC-3'
Protein context (NP_000236.2, residues 1334-1354): VSRISAIFST[Phe1344Leu]IGEHYVHVNA

ClinVar aggregate classification (germline): Uncertain significance (1 of 4 stars; one submission).

Conditions:
Hereditary cancer-predisposing syndrome. Also called: Tumor predisposition; Neoplastic Syndromes, Hereditary; Hereditary neoplastic syndrome; Hereditary Cancer Syndrome. Identifiers: Orphanet 140162, MedGen C0027672, MeSH D009386, MONDO:0015356.

gnomAD v4.1: 1 of 1,614,140 alleles (0.000062%); highest among the groups gnomAD compares: Non-Finnish European, 0.000085%; no homozygotes.

Submission:

Ambry Genetics
Classification: Uncertain significance for Hereditary cancer-predisposing syndrome. Last evaluated: 2025-06-17. Review status: criteria provided, single submitter. Criteria: Ambry Variant Classification Scheme 2023. Collection method: clinical testing. Allele origin: germline.
Comment: The p.F1362L variant (also known as c.4084T>C), located in coding exon 20 of the MET gene, results from a T to C substitution at nucleotide position 4084. The phenylalanine at codon 1362 is replaced by leucine, an amino acid with highly similar properties. This amino acid position is conserved. In addition, the in silico prediction for this alteration is inconclusive. Based on the available evidence, the clinical significance of this variant remains unclear.